The following is an entry in ClinVar:

NM_001018115.3(FANCD2):c.2730G>T (p.Lys910Asn)

Genes: FANCD2 (FA complementation group D2; plus strand), LOC107303338 (3p25 FANCD2 Alu-mediated recombination region; plus strand). Cytogenetic location: 3p25.3.
Variant type: single nucleotide variant.
Coding change: c.2730G>T on transcript NM_001018115.3 (MANE Select); coding-DNA position 2730, G replaced by T.
Protein change: p.Lys910Asn; replaces lysine 910 with asparagine.
Molecular consequence: missense variant.
Genome position (GRCh38, 1-based): chr3:10,074,544, G>T. VCF-style: chr3-10074544-G-T. GRCh37 (hg19) VCF-style: chr3-10116228-G-T.
Other names: p.Lys910Asn; c.2730G>T (NM_033084.5); c.2730G>T, p.Lys910Asn (NM_001319984.2, NM_001374254.1, NM_033084.6); c.2619G>T, p.Lys873Asn (NM_001374253.1); short protein forms K910N, K873N.
Identifiers: ClinVar variation 863681 (VCV000863681.10), dbSNP rs369241246, ClinGen allele CA2250176.

ClinVar aggregate classification (germline): Uncertain significance. Review status: criteria provided, multiple submitters, no conflicts (2 of 4 stars). 2 submissions from 2 submitters: Uncertain significance (2). Last evaluated 2025-10-27.

Conditions:
Fanconi anemia (FA). Also called: Fanconi's anemia. Identifiers: Orphanet 84, MedGen C0015625, MeSH D005199, MONDO:0019391.

Allele frequency attached by ClinVar (database versions not stated): gnomAD exomes below 0.00001; ExAC 0.00001; gnomAD 0.00001; ESP Exome Variant Server 0.00008; TOPMed 0.00003.
gnomAD v4.1: 3 of 1,613,482 alleles (0.00019%); highest among the groups gnomAD compares: Non-Finnish European, 0.00025%; no homozygotes.

Submissions (2):

Mayo Clinic Laboratories, Mayo Clinic
Classification: Uncertain significance. Last evaluated: 2025-10-27. Review status: criteria provided, single submitter. Criteria: ACMG Guidelines, 2015. Collection method: clinical testing. Allele origin: germline. Observed: 1 variant allele.
Comment: BP4_moderate, PM2_supporting

Labcorp Genetics (formerly Invitae), Labcorp
Classification: Uncertain significance for Fanconi anemia. Last evaluated: 2019-12-03. Review status: criteria provided, single submitter. Criteria: Invitae Variant Classification Sherloc (09022015). Collection method: clinical testing. Allele origin: germline.
Comment: This sequence change replaces lysine with asparagine at codon 910 of the FANCD2 protein (p.Lys910Asn). The lysine residue is moderately conserved and there is a moderate physicochemical difference between lysine and asparagine. This variant is present in population databases (rs369241246, ExAC 0.01%). This variant has not been reported in the literature in individuals with FANCD2-related conditions. Algorithms developed to predict the effect of missense changes on protein structure and function are either unavailable or do not agree on the potential impact of this missense change (SIFT: "Deleterious"; PolyPhen-2: "Possibly Damaging"; Align-GVGD: "Class C0"). In summary, the available evidence is currently insufficient to determine the role of this variant in disease. Therefore, it has been classified as a Variant of Uncertain Significance.